The following is an entry in ClinVar:

NM_015272.5(RPGRIP1L):c.3014T>C (p.Ile1005Thr)

Gene: RPGRIP1L (RPGRIP1 like; minus strand). Cytogenetic location: 16q12.2.
Variant type: single nucleotide variant.
Coding change: c.3014T>C on transcript NM_015272.5 (MANE Select); coding-DNA position 3014, T replaced by C.
Protein change: p.Ile1005Thr; replaces isoleucine 1005 with threonine.
Molecular consequence: missense variant. On other transcripts: intron variant (2).
Genome position (GRCh38, 1-based): chr16:53,638,356, A>G on the plus strand (T>C on the coding strand, the complement: RPGRIP1L is on the minus strand). VCF-style: chr16-53638356-A-G. GRCh37 (hg19) VCF-style: chr16-53672268-A-G.
Other names: c.3014T>C (NM_015272.4); c.3014T>C, p.Ile1005Thr (NM_001308334.3); c.2959-502T>C (NM_001127897.4, NM_001330538.2); short protein forms I1005T.
Identifiers: ClinVar variation 1987130 (VCV001987130.5), dbSNP rs1282363642, ClinGen allele CA395926590.
Genomic context (GRCh38, chr16:53,638,356, plus strand): 5'-ACACAAATGCATACCTTGGGAACATGTGGAACAGTCAGCATATTAATTTCTATTTCTGGT[A>G]TATGCTCTACCTCTGGTGAAATTTCCTTCCTATCTTCAGGAGGAGGAGAAGTCTCCTTAT-3'
Protein context (NP_056087.2, residues 995-1015): RKEISPEVEH[Ile1005Thr]PEIEINMLTV

ClinVar aggregate classification (germline): Uncertain significance. Review status: criteria provided, multiple submitters, no conflicts (2 of 4 stars). 2 submissions from 2 submitters: Uncertain significance (2). Last evaluated 2026-09-17.

Conditions:
RPGRIP1L-related disorder. Also called: RPGRIP1L-related disorders; RPGRIP1L-related condition. Identifiers: MedGen CN239416.
Meckel-Gruber syndrome. Also called: DYSENCEPHALIA SPLANCHNOCYSTICA; GRUBER SYNDROME; Dysencephalia splachnocystica. Identifiers: Orphanet 564, MedGen C0265215, MONDO:0018921.
Joubert syndrome. Also called: Familial aplasia of the vermis; JOUBERT-BOLTSHAUSER SYNDROME. Identifiers: Orphanet 475, MedGen C5979921, MONDO:0018772.

Allele frequency attached by ClinVar (database versions not stated): gnomAD exomes below 0.00001; TOPMed 0.00001.
gnomAD v4.1: 1 of 1,600,356 alleles (0.000062%); highest among the groups gnomAD compares: Admixed American, 0.0017%; no homozygotes.

Submissions (2):

PreventionGenetics, part of Exact Sciences
Classification: Uncertain significance for RPGRIP1L-related condition. Last evaluated: 2026-09-17. Review status: criteria provided, single submitter. Criteria: ACMG Guidelines, 2015. Collection method: clinical testing. Allele origin: germline.
Comment: The RPGRIP1L c.3014T>C variant is predicted to result in the amino acid substitution p.Ile1005Thr. To our knowledge, this variant has not been reported in the literature or in a large population database (gnomAD), indicating this variant is rare. At this time, the clinical significance of this variant is uncertain due to the absence of conclusive functional and genetic evidence.

Labcorp Genetics (formerly Invitae), Labcorp
Classification: Uncertain significance for Joubert syndrome; Meckel-Gruber syndrome. Last evaluated: 2023-08-24. Review status: criteria provided, single submitter. Criteria: Invitae Variant Classification Sherloc (09022015). Collection method: clinical testing. Allele origin: germline.
Comment: In summary, the available evidence is currently insufficient to determine the role of this variant in disease. Therefore, it has been classified as a Variant of Uncertain Significance. Algorithms developed to predict the effect of missense changes on protein structure and function output the following: SIFT: "Not Available"; PolyPhen-2: "Benign"; Align-GVGD: "Not Available". The threonine amino acid residue is found in multiple mammalian species, which suggests that this missense change does not adversely affect protein function. ClinVar contains an entry for this variant (Variation ID: 1987130). This variant has not been reported in the literature in individuals affected with RPGRIP1L-related conditions. This variant is not present in population databases (gnomAD no frequency). This sequence change replaces isoleucine, which is neutral and non-polar, with threonine, which is neutral and polar, at codon 1005 of the RPGRIP1L protein (p.Ile1005Thr).